The following is an entry in ClinVar:

NM_021942.6(TRAPPC11):c.2916T>C (p.Asn972=)

Gene: TRAPPC11 (trafficking protein particle complex subunit 11; plus strand). Cytogenetic location: 4q35.1.
Variant type: single nucleotide variant.
Coding change: c.2916T>C on transcript NM_021942.6 (MANE Select); coding-DNA position 2916, T replaced by C.
Protein change: p.Asn972=; no amino-acid change (asparagine 972 retained).
Molecular consequence: synonymous variant.
Genome position (GRCh38, 1-based): chr4:183,701,761, T>C. VCF-style: chr4-183701761-T-C. GRCh37 (hg19) VCF-style: chr4-184622914-T-C.
Other names: c.2916T>C (NM_021942.5); c.2916T>C, p.Asn972= (NM_199053.3).
Identifiers: ClinVar variation 1131098 (VCV001131098.11), dbSNP rs775789463, ClinGen allele CA3152374.

ClinVar aggregate classification (germline): Likely benign. Review status: criteria provided, single submitter (1 of 4 stars). 2 submissions from 2 submitters: Likely benign (1). 1 of the submissions does not count toward it. Last evaluated 2025-10-02.

Conditions:
Autosomal recessive limb-girdle muscular dystrophy type R18 (LGMDR18). Also called: Limb-girdle muscular dystrophy, type 2S; Autosomal recessive limb-girdle muscular dystrophy type 2S; MUSCULAR DYSTROPHY, LIMB-GIRDLE, AUTOSOMAL RECESSIVE 18. Identifiers: Orphanet 369840, MedGen C4517996, MONDO:0014144, OMIM 615356.
TRAPPC11-related disorder. Also called: TRAPPC11-related condition.

Allele frequency attached by ClinVar (database versions not stated): ExAC 0.00001; gnomAD 0.00001; gnomAD exomes below 0.00001 and 0.00002; TOPMed 0.00001.

Submissions (2):

Labcorp Genetics (formerly Invitae), Labcorp
Classification: Likely benign for Autosomal recessive limb-girdle muscular dystrophy type R18. Last evaluated: 2025-10-02. Review status: criteria provided, single submitter. Criteria: Invitae Variant Classification Sherloc (09022015). Collection method: clinical testing. Allele origin: germline.

PreventionGenetics, part of Exact Sciences
Classification: Likely benign for TRAPPC11-related condition. Last evaluated: 2021-04-02. Review status: no assertion criteria provided. Collection method: clinical testing. Allele origin: germline. Not counted in ClinVar's aggregate classification.
Comment: This variant is classified as likely benign based on ACMG/AMP sequence variant interpretation guidelines (Richards et al. 2015 PMID: 25741868, with internal and published modifications).